The following is an entry in ClinVar:

NM_001330574.2(ZNF711):c.1495C>T (p.Arg499Ter)

Gene: ZNF711 (ZFX family zinc finger ZNF711; plus strand). Cytogenetic location: Xq21.1.
Variant type: single nucleotide variant.
Coding change: c.1495C>T on transcript NM_001330574.2 (MANE Select); coding-DNA position 1495, C replaced by T.
Protein change: p.Arg499Ter; replaces arginine 499 with a stop codon.
Molecular consequence: nonsense.
Genome position (GRCh38, 1-based): chrX:85,270,899, C>T. VCF-style: chrX-85270899-C-T. GRCh37 (hg19) VCF-style: chrX-84525905-C-T.
Other names: c.1495C>T, p.Arg499Ter (NM_001375431.1, NM_001375432.1, NM_001375433.1); c.1357C>T, p.Arg453Ter (NM_001375434.1, NM_001375435.1, NM_001375436.1 and 2 more transcripts); short protein forms R453*, R499*.
Identifiers: ClinVar variation 3384374 (VCV003384374.2).

ClinVar aggregate classification (germline): Likely pathogenic (1 of 4 stars; one submission).

Submission:

GeneDx
Classification: Likely pathogenic. Last evaluated: 2026-10-01. Review status: criteria provided, single submitter. Criteria: GeneDx Variant Classification Process June 2021. Collection method: clinical testing. Allele origin: germline.
Comment: Reported as de novo in at least one female with a neurodevelopmental disorder from a large cohort study, but detailed clinical information was not provided (PMID: 35982159, 33504798); Nonsense variant predicted to result in protein truncation, as the last 309 amino acid(s) are lost, and other loss-of-function variants have been reported downstream in HGMD; Not observed at significant frequency in large population cohorts (gnomAD); This variant is associated with the following publications: (PMID: 33504798, 33057194, 35982159)